The following is an entry in ClinVar:

ClinVar aggregate classification (germline): Benign/Likely benign. Review status: criteria provided, multiple submitters, no conflicts (2 of 4 stars). 3 submissions from 3 submitters: Benign (2); Likely benign (1). Last evaluated 2025-12-09.

Conditions:
Exostoses, multiple, type 2 (EXT2). Also called: Hereditary Multiple Osteochondromatosis, Type II; EXOSTOSES, MULTIPLE, TYPE II. Identifiers: Orphanet 321, MedGen C1851413, MONDO:0007586, OMIM 133701.

Allele frequency attached by ClinVar (database versions not stated): gnomAD 0.00006 and 0.00010; gnomAD exomes 0.00008 and 0.00023; TOPMed 0.00012; ExAC 0.00021; 1000 Genomes Project 30x 0.00047; 1000 Genomes Project 0.00060.
gnomAD v4.1: 135 of 1,614,190 alleles (0.0084%); highest among the groups gnomAD compares: East Asian, 0.25%; no homozygotes.

Submissions (3):

Labcorp Genetics (formerly Invitae), Labcorp
Classification: Benign for Exostoses, multiple, type 2. Last evaluated: 2025-12-09. Review status: criteria provided, single submitter. Criteria: Invitae Variant Classification Sherloc (09022015). Collection method: clinical testing. Allele origin: germline.

Blueprint Genetics
Classification: Likely benign. Last evaluated: 2024-08-26. Review status: criteria provided, single submitter. Criteria: ACMG Guidelines, 2015. Collection method: clinical testing. Allele origin: germline.

Illumina Laboratory Services, Illumina
Classification: Benign for Exostoses, multiple, type 2. Last evaluated: 2018-01-13. Review status: criteria provided, single submitter. Criteria: ICSL Variant Classification Criteria 13 December 2019. Collection method: clinical testing. Allele origin: germline.
Comment: This variant was observed in the ICSL laboratory as part of a predisposition screen in an ostensibly healthy population. It had not been previously curated by ICSL or reported in the Human Gene Mutation Database (HGMD: prior to June 1st, 2018), and was therefore a candidate for classification through an automated scoring system. Utilizing variant allele frequency, disease prevalence and penetrance estimates, and inheritance mode, an automated score was calculated to assess if this variant is too frequent to cause the disease. Based on the score and internal cut-off values, a variant classified as benign is not then subjected to further curation. The score for this variant resulted in a classification of benign for this disease.

NM_207122.2(EXT2):c.201G>A (p.Pro67=)

Gene: EXT2 (exostosin glycosyltransferase 2; plus strand). Cytogenetic location: 11p11.2.
Variant type: single nucleotide variant.
Coding change: c.201G>A on transcript NM_207122.2 (MANE Select); coding-DNA position 201, G replaced by A.
Protein change: p.Pro67=; no amino-acid change (proline 67 retained).
Molecular consequence: synonymous variant.
Genome position (GRCh38, 1-based): chr11:44,107,913, G>A. VCF-style: chr11-44107913-G-A. GRCh37 (hg19) VCF-style: chr11-44129463-G-A.
Other names: c.300G>A, p.Pro100= (NM_000401.3); c.201G>A, p.Pro67= (NM_001178083.3, NM_001389628.1, NM_001389630.1).
Identifiers: ClinVar variation 879575 (VCV000879575.13), dbSNP rs201374853, ClinGen allele CA5954839.